The following is an entry in ClinVar:

ClinVar aggregate classification (germline): Uncertain significance (1 of 4 stars; one submission).

Conditions:
Cardiovascular phenotype. Identifiers: MedGen CN230736.

gnomAD v4.1: 3 of 1,614,160 alleles (0.00019%); highest among the groups gnomAD compares: Non-Finnish European, 0.00025%; no homozygotes.

Submission:

Ambry Genetics
Classification: Uncertain significance for Cardiovascular phenotype. Last evaluated: 2026-04-27. Review status: criteria provided, single submitter. Criteria: Ambry Variant Classification Scheme 2023. Collection method: clinical testing. Allele origin: germline.
Comment: The p.D1297E variant (also known as c.3891C>G), located in coding exon 26 of the ABCA1 gene, results from a C to G substitution at nucleotide position 3891. The aspartic acid at codon 1297 is replaced by glutamic acid, an amino acid with highly similar properties. This amino acid position is conserved. In addition, this alteration is predicted to be tolerated by in silico analysis. Based on the available evidence, the clinical significance of this variant remains unclear.

NM_005502.4(ABCA1):c.3891C>G (p.Asp1297Glu)

Gene: ABCA1 (ATP binding cassette subfamily A member 1; minus strand). Cytogenetic location: 9q31.1.
Variant type: single nucleotide variant.
Coding change: c.3891C>G on transcript NM_005502.4 (MANE Select); coding-DNA position 3891, C replaced by G.
Protein change: p.Asp1297Glu; replaces aspartic acid 1297 with glutamic acid.
Molecular consequence: missense variant.
Genome position (GRCh38, 1-based): chr9:104,814,128, G>C on the plus strand (C>G on the coding strand, the complement: ABCA1 is on the minus strand). VCF-style: chr9-104814128-G-C. GRCh37 (hg19) VCF-style: chr9-107576409-G-C.
Other names: short protein forms D1297E.
Identifiers: ClinVar variation 4868433 (VCV004868433.1).